The following is an entry in ClinVar:

NM_001127222.2(CACNA1A):c.6729G>C (p.Gln2243His)

Genes: CACNA1A (calcium voltage-gated channel subunit alpha1 A; minus strand), LOC130063717 (ATAC-STARR-seq lymphoblastoid silent region 10203; plus strand). Cytogenetic location: 19p13.13.
Variant type: single nucleotide variant.
Coding change: c.6729G>C on transcript NM_001127222.2 (MANE Select); coding-DNA position 6729, G replaced by C.
Protein change: p.Gln2243His; replaces glutamine 2243 with histidine.
Molecular consequence: missense variant.
Genome position (GRCh38, 1-based): chr19:13,208,807, C>G on the plus strand (G>C on the coding strand, the complement: CACNA1A is on the minus strand). VCF-style: chr19-13208807-C-G. GRCh37 (hg19) VCF-style: chr19-13319621-C-G.
Other names: c.6747G>C, p.Gln2249His (NM_000068.4, NM_023035.3); c.6732G>C, p.Gln2244His (NM_001127221.2); c.6738G>C, p.Gln2246His (NM_001174080.2); short protein forms Q2243H, Q2244H, Q2246H, Q2249H.
Identifiers: ClinVar variation 1063430 (VCV001063430.9), dbSNP rs774078430, ClinGen allele CA404329525.

ClinVar aggregate classification (germline): Uncertain significance (1 of 4 stars; one submission).

Conditions:
Developmental and epileptic encephalopathy, 42 (DEE42A). Also called: DEVELOPMENTAL AND EPILEPTIC ENCEPHALOPATHY 42A; EPILEPTIC ENCEPHALOPATHY, EARLY INFANTILE, 42A; Epileptic encephalopathy, early infantile, 42. Identifiers: MedGen C4310716, MONDO:0014917, OMIM 617106.
Episodic ataxia type 2 (EA2). Also called: EPISODIC ATAXIA, NYSTAGMUS-ASSOCIATED; ACETAZOLAMIDE-RESPONSIVE HEREDITARY PAROXYSMAL CEREBELLAR ATAXIA; ATAXIA, EPISODIC, WITH NYSTAGMUS; ATAXIA, FAMILIAL PAROXYSMAL; CEREBELLAR ATAXIA, PAROXYSMAL, ACETAZOLAMIDE-RESPONSIVE; CEREBELLOPATHY, HEREDITARY PAROXYSMAL. Identifiers: Orphanet 97, MedGen C1720416, MONDO:0007163, OMIM 108500.

gnomAD v4.1: 5 of 1,535,332 alleles (0.00033%); highest among the groups gnomAD compares: South Asian, 0.0012%; no homozygotes.

Submission:

Labcorp Genetics (formerly Invitae), Labcorp
Classification: Uncertain significance for Developmental and epileptic encephalopathy, 42; Episodic ataxia type 2. Last evaluated: 2020-07-12. Review status: criteria provided, single submitter. Criteria: Invitae Variant Classification Sherloc (09022015). Collection method: clinical testing. Allele origin: germline.
Comment: The frequency data for this variant in the population databases is considered unreliable, as metrics indicate insufficient coverage at this position in the ExAC database. In summary, the available evidence is currently insufficient to determine the role of this variant in disease. Therefore, it has been classified as a Variant of Uncertain Significance. Algorithms developed to predict the effect of missense changes on protein structure and function are either unavailable or do not agree on the potential impact of this missense change (SIFT: "Tolerated"; PolyPhen-2: "Possibly Damaging"; Align-GVGD: "Class C0"). This variant has not been reported in the literature in individuals with CACNA1A-related conditions. This sequence change replaces glutamine with histidine at codon 2244 of the CACNA1A protein (p.Gln2244His). The glutamine residue is weakly conserved and there is a small physicochemical difference between glutamine and histidine.